The following is an entry in ClinVar:

ClinVar aggregate classification (germline): Uncertain significance (1 of 4 stars; one submission).

Allele frequency attached by ClinVar (database versions not stated): TOPMed below 0.00001.
gnomAD v4.1: 1 of 1,613,546 alleles (0.000062%); highest among the groups gnomAD compares: Non-Finnish European, 0.000085%; no homozygotes.

Submission:

Labcorp Genetics (formerly Invitae), Labcorp
Classification: Uncertain significance. Last evaluated: 2025-03-17. Review status: criteria provided, single submitter. Criteria: Invitae Variant Classification Sherloc (09022015). Collection method: clinical testing. Allele origin: germline.
Comment: This sequence change replaces isoleucine, which is neutral and non-polar, with valine, which is neutral and non-polar, at codon 4418 of the ADGRV1 protein (p.Ile4418Val). This variant is not present in population databases (gnomAD no frequency). This variant has not been reported in the literature in individuals affected with ADGRV1-related conditions. ClinVar contains an entry for this variant (Variation ID: 1380871). Invitae Evidence Modeling of protein sequence and biophysical properties (such as structural, functional, and spatial information, amino acid conservation, physicochemical variation, residue mobility, and thermodynamic stability) indicates that this missense variant is not expected to disrupt ADGRV1 protein function with a negative predictive value of 95%. In summary, the available evidence is currently insufficient to determine the role of this variant in disease. Therefore, it has been classified as a Variant of Uncertain Significance.

NM_032119.4(ADGRV1):c.13252A>G (p.Ile4418Val)

Gene: ADGRV1 (adhesion G protein-coupled receptor V1; plus strand). Cytogenetic location: 5q14.3.
Variant type: single nucleotide variant.
Coding change: c.13252A>G on transcript NM_032119.4 (MANE Select); coding-DNA position 13252, A replaced by G.
Protein change: p.Ile4418Val; replaces isoleucine 4418 with valine.
Molecular consequence: missense variant. On other transcripts: non-coding transcript variant (1).
Genome position (GRCh38, 1-based): chr5:90,783,144, A>G. VCF-style: chr5-90783144-A-G. GRCh37 (hg19) VCF-style: chr5-90078961-A-G.
Other names: short protein forms I4418V.
Identifiers: ClinVar variation 1380871 (VCV001380871.6), dbSNP rs1759036994, ClinGen allele CA360392652.
Genomic context (GRCh38, chr5:90,783,144, plus strand): 5'-TCTGTCTGGCTTACCAATTAATTCCAAGTTCCCATTACAGTGGAGGAAGATGTTGGGCTG[A>G]TCATGATCCCAGTGGTGAGGCTACATGGAACTTATGGCTATGTGACAGCTGATTTCATCT-3'
Protein context (NP_115495.3, residues 4408-4428): AFEVEEDVGL[Ile4418Val]MIPVVRLHGT